The following is an entry in ClinVar:

NM_001009944.3(PKD1):c.1326C>T (p.Ala442=)

Gene: PKD1 (polycystin 1, transient receptor potential channel interacting; minus strand). Cytogenetic location: 16p13.3.
Variant type: single nucleotide variant.
Coding change: c.1326C>T on transcript NM_001009944.3 (MANE Select); coding-DNA position 1326, C replaced by T.
Protein change: p.Ala442=; no amino-acid change (alanine 442 retained).
Molecular consequence: synonymous variant.
Genome position (GRCh38, 1-based): chr16:2,117,548, G>A on the plus strand (C>T on the coding strand, the complement: PKD1 is on the minus strand). VCF-style: chr16-2117548-G-A. GRCh37 (hg19) VCF-style: chr16-2167549-G-A.
Other names: c.1326C>T, p.Ala442= (NM_000296.4); c.1326C>T (NM_001009944.2).
Identifiers: ClinVar variation 447969 (VCV000447969.4), dbSNP rs376607683, ClinGen allele CA7833542.
Genomic context (GRCh38, chr16:2,117,548, plus strand): 5'-CCTGGTGACCCGGGAGACCAGGAAGCGCTGCACGGCGGGACTGTCCACCATTGCCAGGGC[G>A]GCCCCGGCCCAGGCCTGACACTGCTCCTGCGCCTGCAGCCAGGCCGCCTTCTCCACCACC-3'
Protein context (NP_001009944.3, residues 432-452): AQEQCQAWAG[Ala442=]ALAMVDSPAV

ClinVar aggregate classification (germline): Benign/Likely benign. Review status: criteria provided, multiple submitters, no conflicts (2 of 4 stars). 3 submissions from 3 submitters: Benign (1); Likely benign (1). 1 of the submissions does not count toward it. Last evaluated 2017-01-30.

Conditions:
PKD1-related disorder. Also called: PKD1-related condition.

Allele frequency attached by ClinVar (database versions not stated): gnomAD exomes 0.00020; ESP Exome Variant Server 0.00024; ExAC 0.00038; gnomAD 0.00043 and 0.00046; TOPMed 0.00054; 1000 Genomes Project 0.00080; 1000 Genomes Project 30x 0.00094.
gnomAD v4.1: 324 of 1,600,276 alleles (0.02%); highest among the groups gnomAD compares: African/African-American, 0.15%; no homozygotes.

Submissions (3):

Athena Diagnostics
Classification: Benign. Last evaluated: 2017-01-30. Review status: criteria provided, single submitter. Criteria: Athena Diagnostics Criteria. Collection method: clinical testing. Allele origin: germline.

Breakthrough Genomics
Classification: Likely benign. Review status: criteria provided, single submitter. Criteria: ACMG Guidelines, 2015. Collection method: not provided. Allele origin: germline. Inheritance: Autosomal dominant inheritance. Affected: yes.

PreventionGenetics, part of Exact Sciences
Classification: Likely benign for PKD1-related condition. Last evaluated: 2021-06-04. Review status: no assertion criteria provided. Collection method: clinical testing. Allele origin: germline. Not counted in ClinVar's aggregate classification.
Comment: This variant is classified as likely benign based on ACMG/AMP sequence variant interpretation guidelines (Richards et al. 2015 PMID: 25741868, with internal and published modifications).